The following is an entry in ClinVar:

ClinVar aggregate classification (germline): Uncertain significance (1 of 4 stars; one submission).

Allele frequency attached by ClinVar (database versions not stated): gnomAD exomes below 0.00001; gnomAD 0.00001.
gnomAD v4.1: 2 of 1,613,516 alleles (0.00012%); highest among the groups gnomAD compares: Non-Finnish European, 0.00017%; no homozygotes.

Submission:

Labcorp Genetics (formerly Invitae), Labcorp
Classification: Uncertain significance. Last evaluated: 2022-10-17. Review status: criteria provided, single submitter. Criteria: Invitae Variant Classification Sherloc (09022015). Collection method: clinical testing. Allele origin: germline.
Comment: In summary, the available evidence is currently insufficient to determine the role of this variant in disease. Therefore, it has been classified as a Variant of Uncertain Significance. Algorithms developed to predict the effect of missense changes on protein structure and function (SIFT, PolyPhen-2, Align-GVGD) all suggest that this variant is likely to be tolerated. This variant has not been reported in the literature in individuals affected with NDUFAF4-related conditions. This variant is present in population databases (no rsID available, gnomAD 0.0009%). This sequence change replaces lysine, which is basic and polar, with glutamic acid, which is acidic and polar, at codon 97 of the NDUFAF4 protein (p.Lys97Glu).

NM_014165.4(NDUFAF4):c.289A>G (p.Lys97Glu)

Gene: NDUFAF4 (NADH:ubiquinone oxidoreductase complex assembly factor 4; minus strand). Cytogenetic location: 6q16.1.
Variant type: single nucleotide variant.
Coding change: c.289A>G on transcript NM_014165.4 (MANE Select); coding-DNA position 289, A replaced by G.
Protein change: p.Lys97Glu; replaces lysine 97 with glutamic acid.
Molecular consequence: missense variant.
Genome position (GRCh38, 1-based): chr6:96,891,343, T>C on the plus strand (A>G on the coding strand, the complement: NDUFAF4 is on the minus strand). VCF-style: chr6-96891343-T-C. GRCh37 (hg19) VCF-style: chr6-97339219-T-C.
Other names: short protein forms K97E.
Identifiers: ClinVar variation 1993289 (VCV001993289.4), dbSNP rs1456138112, ClinGen allele CA365279948.